The following is an entry in ClinVar:

ClinVar aggregate classification (germline): Pathogenic. Review status: criteria provided, multiple submitters, no conflicts (2 of 4 stars). 2 submissions from 2 submitters: Pathogenic (2). Last evaluated 2023-06-03.

Conditions:
Inborn genetic diseases. Identifiers: MedGen C0950123, MeSH D030342.
Primary ciliary dyskinesia. Also called: Ciliary dyskinesia. Identifiers: Orphanet 244, MedGen C0008780, MONDO:0016575, HP:0012265.

Submissions (2):

Labcorp Genetics (formerly Invitae), Labcorp
Classification: Pathogenic for Primary ciliary dyskinesia. Last evaluated: 2023-06-03. Review status: criteria provided, single submitter. Criteria: Invitae Variant Classification Sherloc (09022015). Collection method: clinical testing. Allele origin: germline.
Comment: This sequence change creates a premature translational stop signal (p.Val2957Trpfs*9) in the DNAH5 gene. It is expected to result in an absent or disrupted protein product. Loss-of-function variants in DNAH5 are known to be pathogenic (PMID: 11788826, 16627867). This variant is not present in population databases (gnomAD no frequency). This variant has not been reported in the literature in individuals affected with DNAH5-related conditions. ClinVar contains an entry for this variant (Variation ID: 658476). For these reasons, this variant has been classified as Pathogenic.

Ambry Genetics
Classification: Pathogenic for Inborn genetic diseases. Last evaluated: 2018-08-17. Review status: criteria provided, single submitter. Criteria: Ambry exome assertion method (8-5-2015). Collection method: clinical testing. Allele origin: germline. Affected: yes. Observed: 1 variant allele.

Literature cited by the submitters: PubMed 11788826 (cited by Labcorp Genetics (formerly Invitae), Labcorp); PubMed 16627867 (cited by Labcorp Genetics (formerly Invitae), Labcorp).

NM_001369.3(DNAH5):c.8869del (p.Val2957fs)

Gene: DNAH5 (dynein axonemal heavy chain 5; minus strand). Cytogenetic location: 5p15.2.
Variant type: Deletion.
Coding change: c.8869del on transcript NM_001369.3 (MANE Select); coding-DNA position 8869, one base deleted (G; older notation c.8869delG).
Protein change: p.Val2957fs; shifts the reading frame from valine 2957.
Molecular consequence: frameshift variant.
Genome position (GRCh38, 1-based): chr5:13,780,911, C deleted on the plus strand (G on the coding strand, the reverse complement: DNAH5 is on the minus strand); the first of 4 consecutive C bases (chr5:13,780,911-13,780,914); deleting any one gives the same sequence. VCF-style (leftmost placement, unchanged base first): chr5-13780910-AC-A. GRCh37 (hg19) VCF-style: chr5-13781019-AC-A.
Identifiers: ClinVar variation 658476 (VCV000658476.11), dbSNP rs1580203399, ClinGen allele CA915943336.